The following is an entry in ClinVar:

NM_002354.3(EPCAM):c.469T>G (p.Tyr157Asp)

Gene: EPCAM (epithelial cell adhesion molecule; plus strand). Cytogenetic location: 2p21.
Variant type: single nucleotide variant.
Coding change: c.469T>G on transcript NM_002354.3 (MANE Select); coding-DNA position 469, T replaced by G.
Protein change: p.Tyr157Asp; replaces tyrosine 157 with aspartic acid.
Molecular consequence: missense variant.
Genome position (GRCh38, 1-based): chr2:47,375,277, T>G. VCF-style: chr2-47375277-T-G. GRCh37 (hg19) VCF-style: chr2-47602416-T-G.
Other names: short protein forms Y157D.
Identifiers: ClinVar variation 4018563 (VCV004018563.1).

ClinVar aggregate classification (germline): Uncertain significance (1 of 4 stars; one submission).

Conditions:
Hereditary cancer-predisposing syndrome. Also called: Tumor predisposition; Hereditary neoplastic syndrome; Neoplastic Syndromes, Hereditary; Hereditary Cancer Syndrome. Identifiers: Orphanet 140162, MedGen C0027672, MeSH D009386, MONDO:0015356.

gnomAD v4.1: 6 of 1,612,410 alleles (0.00037%); no homozygotes.

Submission:

Ambry Genetics
Classification: Uncertain significance for Hereditary cancer-predisposing syndrome. Last evaluated: 2025-03-31. Review status: criteria provided, single submitter. Criteria: Ambry Variant Classification Scheme 2023. Collection method: clinical testing. Allele origin: germline.
Comment: The p.Y157D variant (also known as c.469T>G), located in coding exon 4 of the EPCAM gene, results from a T to G substitution at nucleotide position 469. The tyrosine at codon 157 is replaced by aspartic acid, an amino acid with highly dissimilar properties. This amino acid position is conserved. In addition, the in silico prediction for this alteration is inconclusive. Based on the available evidence, the clinical significance of this variant remains unclear.